The following is an entry in ClinVar:

ClinVar aggregate classification (germline): Benign (0 of 4 stars; one submission).

Conditions:
VPS13B-related disorder. Also called: VPS13B-related condition.

Allele frequency attached by ClinVar (database versions not stated): ESP Exome Variant Server 0.00023; gnomAD 0.00027; gnomAD exomes 0.00027; TOPMed 0.00034; ExAC 0.00057.
gnomAD v4.1: 472 of 1,601,204 alleles (0.029%); highest among the groups gnomAD compares: Non-Finnish European, 0.0054%; 3 homozygotes.

Submission:

PreventionGenetics, part of Exact Sciences
Classification: Benign for VPS13B-related condition. Last evaluated: 2019-10-22. Review status: no assertion criteria provided. Collection method: clinical testing. Allele origin: germline.
Comment: This variant is classified as benign based on ACMG/AMP sequence variant interpretation guidelines (Richards et al. 2015 PMID: 25741868, with internal and published modifications).

NM_152564.5(VPS13B):c.10867+37G>A

Gene: VPS13B (vacuolar protein sorting 13 homolog B; plus strand). Cytogenetic location: 8q22.2.
Variant type: single nucleotide variant.
Coding change: c.10867+37G>A on transcript NM_152564.5 (MANE Select); 37 bases into the intron after coding-DNA position 10867, G replaced by A.
Molecular consequence: intron variant.
Genome position (GRCh38, 1-based): chr8:99,854,293, G>A. VCF-style: chr8-99854293-G-A. GRCh37 (hg19) VCF-style: chr8-100866521-G-A.
Other names: c.10942+37G>A (NM_017890.5).
Identifiers: ClinVar variation 3053187 (VCV003053187.2), dbSNP rs374061062, ClinGen allele CA4825041.